The following is an entry in ClinVar:

NM_018100.4(EFHC1):c.749A>T (p.Asp250Val)

Gene: EFHC1 (EF-hand domain containing 1; plus strand). Cytogenetic location: 6p12.2.
Variant type: single nucleotide variant.
Coding change: c.749A>T on transcript NM_018100.4 (MANE Select); coding-DNA position 749, A replaced by T.
Protein change: p.Asp250Val; replaces aspartic acid 250 with valine.
Molecular consequence: missense variant. On other transcripts: non-coding transcript variant (1).
Genome position (GRCh38, 1-based): chr6:52,454,120, A>T. VCF-style: chr6-52454120-A-T. GRCh37 (hg19) VCF-style: chr6-52318918-A-T.
Other names: c.692A>T, p.Asp231Val (NM_001172420.2); short protein forms D250V, D231V.
Identifiers: ClinVar variation 577571 (VCV000577571.10), dbSNP rs1562453181, ClinGen allele CA364452604.
Genomic context (GRCh38, chr6:52,454,120, plus strand): 5'-AGGATTCTTGAGTCACTACTTTGGATTCTTCAAAGGTCCTTCGATTCTATGCAATCTGGG[A>T]TGATACAGACAGCATGTATGGTGAATGTCGGACCTACATCATTCATTACTATCTTATGGA-3'
Protein context (NP_060570.2, residues 240-260): KQVLRFYAIW[Asp250Val]DTDSMYGECR

ClinVar aggregate classification (germline): Uncertain significance (1 of 4 stars; one submission).

Conditions:
Absence seizure. Also called: Absence epilepsy. Identifiers: Orphanet 1941, MedGen C0014553.
Myoclonic epilepsy, juvenile, susceptibility to, 1. Also called: Myoclonic Epilepsy, Juvenile, 1; EJM1. Identifiers: MedGen C1850778, MONDO:0020752, OMIM 254770.

Allele frequency attached by ClinVar (database versions not stated): gnomAD exomes below 0.00001.
gnomAD v4.1: 2 of 1,613,834 alleles (0.00012%); highest among the groups gnomAD compares: Non-Finnish European, 0.00017%; no homozygotes.

Submission:

Labcorp Genetics (formerly Invitae), Labcorp
Classification: Uncertain significance for Myoclonic epilepsy, juvenile, susceptibility to, 1; Absence seizure. Last evaluated: 2018-02-23. Review status: criteria provided, single submitter. Criteria: Invitae Variant Classification Sherloc (09022015). Collection method: clinical testing. Allele origin: germline.
Comment: In summary, the available evidence is currently insufficient to determine the role of this variant in disease. Therefore, it has been classified as a Variant of Uncertain Significance. Algorithms developed to predict the effect of missense changes on protein structure and function do not agree on the potential impact of this missense change (SIFT: "Tolerated"; PolyPhen-2: "Possibly Damaging"; Align-GVGD: "Class C0"). This variant has not been reported in the literature in individuals with EFHC1-related disease. This variant is not present in population databases (ExAC no frequency). This sequence change replaces aspartic acid with valine at codon 250 of the EFHC1 protein (p.Asp250Val). The aspartic acid residue is highly conserved and there is a large physicochemical difference between aspartic acid and valine.